The following is an entry in ClinVar:

ClinVar aggregate classification (germline): Uncertain significance (1 of 4 stars; one submission).

Submission:

GeneDx
Classification: Uncertain significance. Last evaluated: 2024-06-27. Review status: criteria provided, single submitter. Criteria: GeneDx Variant Classification Process June 2021. Collection method: clinical testing. Allele origin: germline. Affected: yes.
Comment: Not observed at significant frequency in large population cohorts (gnomAD); In silico analysis supports a deleterious effect on splicing; Has not been previously published as pathogenic or benign to our knowledge

NM_207037.2(TCF12):c.686-3T>G

Gene: TCF12 (transcription factor 12; plus strand). Cytogenetic location: 15q21.3.
Variant type: single nucleotide variant.
Coding change: c.686-3T>G on transcript NM_207037.2 (MANE Select); 3 bases into the intron before coding-DNA position 686, T replaced by G.
Molecular consequence: intron variant.
Genome position (GRCh38, 1-based): chr15:57,232,288, T>G. VCF-style: chr15-57232288-T-G. GRCh37 (hg19) VCF-style: chr15-57524486-T-G.
Other names: c.686-3T>G (NM_001322151.2, NM_001322159.3, NM_001322157.3 and 7 more transcripts); c.512-3T>G (NM_001322156.2, NM_001322158.2); c.29-3T>G (NM_001322154.2); c.722-3T>G (NM_001322164.2); c.176-3T>G (NM_001306219.3, NM_207040.2); c.118-424T>G (NM_001306220.3).
Identifiers: ClinVar variation 3392593 (VCV003392593.1).